The following is an entry in ClinVar:

ClinVar aggregate classification (germline): Pathogenic (1 of 4 stars; one submission).

Conditions:
Junctional epidermolysis bullosa. Identifiers: Orphanet 305, MedGen C0079301, MONDO:0017612.

Submission:

Myriad Genetics, Inc.
Classification: Pathogenic for Junctional epidermolysis bullosa. Last evaluated: 2023-09-10. Review status: criteria provided, single submitter. Criteria: Myriad Autosomal Dominant, Autosomal Recessive and X-Linked Classification Criteria (2023). Collection method: clinical testing. Allele origin: unknown.
Comment: NM_000228.2(LAMB3):c.985_986insA(P329Hfs*16) is expected to be pathogenic in the context of junctional epidermolysis bullosa, LAMB3-related. This variant is predicted to lead to an abnormal or absent protein product due to the creation of a premature termination codon in LAMB3, a gene where loss-of-function variants are known to be pathogenic. Please note: this variant was assessed in the context of healthy population screening.

NM_000228.3(LAMB3):c.985_986insA (p.Pro329fs)

Gene: LAMB3 (laminin subunit beta 3; minus strand). Cytogenetic location: 1q32.2.
Variant type: Insertion.
Coding change: c.985_986insA on transcript NM_000228.3 (MANE Select); coding-DNA positions 985 to 986, A inserted.
Protein change: p.Pro329fs; shifts the reading frame from proline 329.
Molecular consequence: frameshift variant.
Genome position: GRCh38 VCF-style: chr1-209629883-G-GT. GRCh37 (hg19) VCF-style: chr1-209803228-G-GT.
Other names: c.985_986insA, p.Pro329fs (NM_001017402.2, NM_001127641.1); short protein forms P329fs.
Identifiers: ClinVar variation 5011628 (VCV005011628.1).